The following is an entry in ClinVar:

ClinVar aggregate classification (germline): Uncertain significance (1 of 4 stars; one submission).

Submission:

GeneDx
Classification: Uncertain significance. Last evaluated: 2023-03-28. Review status: criteria provided, single submitter. Criteria: GeneDx Variant Classification Process June 2021. Collection method: clinical testing. Allele origin: germline. Affected: yes.
Comment: Not observed at significant frequency in large population cohorts (gnomAD); In silico analysis supports that this missense variant does not alter protein structure/function; Has not been previously published as pathogenic or benign to our knowledge

NM_000489.6(ATRX):c.3589C>G (p.Gln1197Glu)

Gene: ATRX (ATRX chromatin remodeler; minus strand). Cytogenetic location: Xq21.1.
Variant type: single nucleotide variant.
Coding change: c.3589C>G on transcript NM_000489.6 (MANE Select); coding-DNA position 3589, C replaced by G.
Protein change: p.Gln1197Glu; replaces glutamine 1197 with glutamic acid.
Molecular consequence: missense variant.
Genome position (GRCh38, 1-based): chrX:77,681,667, G>C on the plus strand (C>G on the coding strand, the complement: ATRX is on the minus strand). VCF-style: chrX-77681667-G-C. GRCh37 (hg19) VCF-style: chrX-76937159-G-C.
Other names: c.3475C>G, p.Gln1159Glu (NM_138270.5); short protein forms Q1159E, Q1197E.
Identifiers: ClinVar variation 2581952 (VCV002581952.1), dbSNP rs2148569397, ClinGen allele CA413706148.